The following is an entry in ClinVar:

ClinVar aggregate classification (germline): Uncertain significance (1 of 4 stars; one submission).

Conditions:
Familial cancer of breast. Also called: hereditary breast carcinoma; Hereditary breast cancer; BREAST CANCER, FAMILIAL. Identifiers: Orphanet 227535, MedGen C0346153, MONDO:0016419, OMIM 114480. Disease mechanism: loss of function.

Submission:

Labcorp Genetics (formerly Invitae), Labcorp
Classification: Uncertain significance for Familial cancer of breast. Last evaluated: 2025-01-27. Review status: criteria provided, single submitter. Criteria: Invitae Variant Classification Sherloc (09022015). Collection method: clinical testing. Allele origin: germline.
Comment: This variant, c.1576_1577delinsAG, is a complex sequence change that results in the deletion of 2 and insertion of 2 amino acid(s) in the CHEK2 protein (p.Glu526Arg). Information on the frequency of this variant in the gnomAD database is not available, as this variant may be reported differently in the database. This variant has not been reported in the literature in individuals affected with CHEK2-related conditions. ClinVar contains an entry for this variant (Variation ID: 2863095). An algorithm developed to predict the effect of missense changes on protein structure and function (PolyPhen-2) suggests that this variant is likely to be tolerated. In summary, the available evidence is currently insufficient to determine the role of this variant in disease. Therefore, it has been classified as a Variant of Uncertain Significance.

NM_007194.4(CHEK2):c.1576_1577delinsAG (p.Glu526Arg)

Gene: CHEK2 (checkpoint kinase 2; minus strand). Cytogenetic location: 22q12.1.
Variant type: Indel.
Coding change: c.1576_1577delinsAG on transcript NM_007194.4 (MANE Select); coding-DNA positions 1576 to 1577, GA replaced by AG.
Protein change: p.Glu526Arg; replaces glutamic acid 526 with arginine.
Molecular consequence: missense variant.
Genome position (GRCh38, 1-based): chr22:28,687,952-28,687,953, TC replaced by CT on the plus strand (GA replaced by AG on the coding strand, the reverse complement: CHEK2 is on the minus strand). VCF-style: chr22-28687952-TC-CT. GRCh37 (hg19) VCF-style: chr22-29083940-TC-CT.
Other names: c.1705_1706delGAinsAG, p.Glu569Arg (NM_001005735.3); c.913_914delGAinsAG, p.Glu305Arg (NM_001257387.3); c.1375_1376delGAinsAG, p.Glu459Arg (NM_001349956.3); c.1489_1490delGAinsAG, p.Glu497Arg (NM_145862.3); short protein forms E305R, E459R, E497R, E526R, E569R.
Identifiers: ClinVar variation 2863095 (VCV002863095.3), dbSNP rs2517748531, ClinGen allele CA2739265649.